The following is an entry in ClinVar:

ClinVar aggregate classification (germline): Pathogenic. Review status: criteria provided, multiple submitters, no conflicts (2 of 4 stars). 3 submissions from 3 submitters: Pathogenic (3). Last evaluated 2025-05-10.

Conditions:
Pheochromocytoma. Also called: MAX-Related Hereditary Paraganglioma-Pheochromocytoma Syndrome. Identifiers: Orphanet 29072, MedGen C0031511, MONDO:0008233, OMIM 171300, HP:0002666.
Pheochromocytoma/paraganglioma syndrome 4. Also called: CAROTID BODY TUMORS AND MULTIPLE EXTRAADRENAL PHEOCHROMOCYTOMAS; PARAGANGLIOMA, FAMILIAL MALIGNANT; PARAGANGLIOMAS, HEREDITARY EXTRAADRENAL; PHEOCHROMOCYTOMA, FAMILIAL EXTRAADRENAL; Paragangliomas 4; SDHB-Related Hereditary Paraganglioma-Pheochromocytoma Syndrome (Paragangliomas 4). Identifiers: Orphanet 29072, MedGen C1861848, MONDO:0007273, OMIM 115310.
Gastrointestinal stromal tumor. Also called: Gastrointestinal stroma tumor; Gastrointestinal stromal tumor, somatic. Identifiers: Orphanet 44890, MedGen C0238198, MeSH D046152, MONDO:0011719, OMIM 606764, HP:0100723.
Hereditary cancer-predisposing syndrome. Also called: Tumor predisposition; Hereditary Cancer Syndrome; Hereditary neoplastic syndrome; Neoplastic Syndromes, Hereditary. Identifiers: Orphanet 140162, MedGen C0027672, MeSH D009386, MONDO:0015356.

Submissions (3):

Ambry Genetics
Classification: Pathogenic for Hereditary cancer-predisposing syndrome. Last evaluated: 2025-05-10. Review status: criteria provided, single submitter. Criteria: Ambry Variant Classification Scheme 2023. Collection method: clinical testing. Allele origin: germline.
Comment: The c.19_41dup23 pathogenic mutation, located in coding exon 1 of the SDHB gene, results from a duplication of CTCTCCTTGAGGCGCCGGTTGCC at nucleotide position 19, causing a translational frameshift with a predicted alternate stop codon (p.A15Sfs*3). This variant was reported in individual(s) with features consistent with SDHB-associated disease (Ambry internal data). This variant is considered to be rare based on population cohorts in the Genome Aggregation Database (gnomAD). This alteration is expected to result in loss of function by premature protein truncation or nonsense-mediated mRNA decay. As such, this alteration is interpreted as a disease-causing mutation.

Labcorp Genetics (formerly Invitae), Labcorp
Classification: Pathogenic for Gastrointestinal stromal tumor; Pheochromocytoma/paraganglioma syndrome 4; Pheochromocytoma. Last evaluated: 2025-05-05. Review status: criteria provided, single submitter. Criteria: Invitae Variant Classification Sherloc (09022015). Collection method: clinical testing. Allele origin: germline.
Comment: This sequence change creates a premature translational stop signal (p.Ala15Serfs*3) in the SDHB gene. It is expected to result in an absent or disrupted protein product. Loss-of-function variants in SDHB are known to be pathogenic (PMID: 19454582, 19802898). This variant is not present in population databases (gnomAD no frequency). This variant has not been reported in the literature in individuals affected with SDHB-related conditions. ClinVar contains an entry for this variant (Variation ID: 1381081). For these reasons, this variant has been classified as Pathogenic.

Myriad Genetics, Inc.
Classification: Pathogenic for Pheochromocytoma/paraganglioma syndrome 4. Last evaluated: 2024-02-08. Review status: criteria provided, single submitter. Criteria: Myriad Autosomal Dominant, Autosomal Recessive and X-Linked Classification Criteria (2023). Collection method: clinical testing. Allele origin: unknown.
Comment: This variant is considered pathogenic. This variant creates a frameshift predicted to result in premature protein truncation.

Literature cited by the submitters: PubMed 19454582 (cited by Labcorp Genetics (formerly Invitae), Labcorp); PubMed 19802898 (cited by Labcorp Genetics (formerly Invitae), Labcorp).

NM_003000.3(SDHB):c.19_41dup (p.Pro14_Ala15insSerProTer)

Gene: SDHB (succinate dehydrogenase complex iron sulfur subunit B; minus strand). Cytogenetic location: 1p36.13.
Variant type: Indel.
Coding change: c.19_41dup on transcript NM_003000.3 (MANE Select); coding-DNA positions 19 to 41, 23 bases duplicated (CTCTCCTTGAGGCGCCGGTTGCC).
Protein change: p.Pro14_Ala15insSerProTer.
Molecular consequence: nonsense, inframe insertion.
Genome position (GRCh38, 1-based): chr1:17,053,979-17,054,001, GGCAACCGGCGCCTCAAGGAGAG duplicated on the plus strand (CTCTCCTTGAGGCGCCGGTTGCC on the coding strand, the reverse complement: SDHB is on the minus strand); duplicating any 23 consecutive bases within chr1:17,053,979-17,054,004 gives the same sequence; the c. name uses the placement nearest the transcript's 3' end. VCF-style (leftmost placement, unchanged base first): chr1-17053978-C-CGGCAACCGGCGCCTCAAGGAGAG. GRCh37 (hg19) VCF-style: chr1-17380473-C-CGGCAACCGGCGCCTCAAGGAGAG.
Identifiers: ClinVar variation 1381081 (VCV001381081.8), dbSNP rs1553179340, ClinGen allele CA308156.